The following is an entry in ClinVar:

NM_001379286.1(ZNF423):c.565C>T (p.Arg189Cys)

Gene: ZNF423 (zinc finger protein 423; minus strand). Cytogenetic location: 16q12.1.
Variant type: single nucleotide variant.
Coding change: c.565C>T on transcript NM_001379286.1 (MANE Select); coding-DNA position 565, C replaced by T.
Protein change: p.Arg189Cys; replaces arginine 189 with cysteine.
Molecular consequence: missense variant.
Genome position (GRCh38, 1-based): chr16:49,638,611, G>A on the plus strand (C>T on the coding strand, the complement: ZNF423 is on the minus strand). VCF-style: chr16-49638611-G-A. GRCh37 (hg19) VCF-style: chr16-49672522-G-A.
Other names: c.361C>T, p.Arg121Cys (NM_001271620.2); c.190C>T, p.Arg64Cys (NM_001330533.2); c.541C>T, p.Arg181Cys (NM_015069.5); short protein forms R181C, R189C, R121C, R64C.
Identifiers: ClinVar variation 1420748 (VCV001420748.8), dbSNP rs1972852088, ClinGen allele CA395852188.

ClinVar aggregate classification (germline): Uncertain significance (1 of 4 stars; one submission).

Conditions:
Nephronophthisis 14 (NPHP14). Identifiers: Orphanet 2318, MedGen C3539071, MONDO:0013916, OMIM 614844.

Allele frequency attached by ClinVar (database versions not stated): TOPMed below 0.00001; gnomAD exomes 0.00001.
gnomAD v4.1: 15 of 1,613,904 alleles (0.00093%); highest among the groups gnomAD compares: Non-Finnish European, 0.0012%; no homozygotes.

Submission:

Labcorp Genetics (formerly Invitae), Labcorp
Classification: Uncertain significance for Nephronophthisis 14. Last evaluated: 2020-11-04. Review status: criteria provided, single submitter. Criteria: Invitae Variant Classification Sherloc (09022015). Collection method: clinical testing. Allele origin: germline.
Comment: In summary, the available evidence is currently insufficient to determine the role of this variant in disease. Therefore, it has been classified as a Variant of Uncertain Significance. Algorithms developed to predict the effect of missense changes on protein structure and function (SIFT, PolyPhen-2, Align-GVGD) all suggest that this variant is likely to be disruptive, but these predictions have not been confirmed by published functional studies and their clinical significance is uncertain. This variant has not been reported in the literature in individuals with ZNF423-related conditions. This variant is not present in population databases (ExAC no frequency). This sequence change replaces arginine with cysteine at codon 181 of the ZNF423 protein (p.Arg181Cys). The arginine residue is highly conserved and there is a large physicochemical difference between arginine and cysteine.